The following is an entry in ClinVar:

NM_020821.3(VPS13C):c.5010T>C (p.Phe1670=)

Gene: VPS13C (vacuolar protein sorting 13 homolog C; minus strand). Cytogenetic location: 15q22.2.
Variant type: single nucleotide variant.
Coding change: c.5010T>C on transcript NM_020821.3 (MANE Select); coding-DNA position 5010, T replaced by C.
Protein change: p.Phe1670=; no amino-acid change (phenylalanine 1670 retained).
Molecular consequence: synonymous variant.
Genome position (GRCh38, 1-based): chr15:61,945,853, A>G on the plus strand (T>C on the coding strand, the complement: VPS13C is on the minus strand). VCF-style: chr15-61945853-A-G. GRCh37 (hg19) VCF-style: chr15-62238052-A-G.
Other names: c.5010T>C, p.Phe1670= (NM_001018088.3); c.4881T>C, p.Phe1627= (NM_017684.5, NM_018080.4).
Identifiers: ClinVar variation 732579 (VCV000732579.8), dbSNP rs368391524, ClinGen allele CA7595923.
Genomic context (GRCh38, chr15:61,945,853, plus strand): 5'-GGACATATCAGCATAGGCCTCTCCTTCTGTGGCATCTGGATAAAGAGTCAGTTGGAACCT[A>G]AAGACTTCATCTCCCAAAATAGAGACAGCCTAAAAGTATTAGATTAACTGGTTATTATAT-3'
Protein context (NP_065872.1, residues 1660-1680): KAVSILGDEV[Phe1670=]RFQLTLYPDA

ClinVar aggregate classification (germline): Likely benign. Review status: criteria provided, multiple submitters, no conflicts (2 of 4 stars). 2 submissions from 2 submitters: Likely benign (2). Last evaluated 2026-06-10.

Conditions:
VPS13C-related disorder. Also called: VPS13C-related condition.

Allele frequency attached by ClinVar (database versions not stated): ExAC 0.00002; gnomAD exomes 0.00002 and 0.00003; gnomAD 0.00007 and 0.00014; ESP Exome Variant Server 0.00008; TOPMed 0.00014.
gnomAD v4.1: 67 of 1,610,776 alleles (0.0042%); highest among the groups gnomAD compares: Non-Finnish European, 0.0048%; no homozygotes.

Submissions (2):

PreventionGenetics, part of Exact Sciences
Classification: Likely benign for VPS13C-related condition. Last evaluated: 2026-06-10. Review status: criteria provided, single submitter. Criteria: ACMG Guidelines, 2015. Collection method: clinical testing. Allele origin: germline.
Comment: This variant is classified as likely benign based on ACMG/AMP sequence variant interpretation guidelines (Richards et al. 2015 PMID: 25741868, with internal and published modifications).

Labcorp Genetics (formerly Invitae), Labcorp
Classification: Likely benign. Last evaluated: 2022-03-03. Review status: criteria provided, single submitter. Criteria: Invitae Variant Classification Sherloc (09022015). Collection method: clinical testing. Allele origin: germline.